The following is an entry in ClinVar:

ClinVar aggregate classification (germline): Uncertain significance (1 of 4 stars; one submission).

Conditions:
Short-rib thoracic dysplasia 14 with polydactyly (SRTD14). Identifiers: Orphanet 397715, MedGen C4225286, MONDO:0014688, OMIM 616546.
Joubert syndrome 23 (JBTS23). Identifiers: Orphanet 475, MedGen C4084822, MONDO:0014664, OMIM 616490.

Submission:

Labcorp Genetics (formerly Invitae), Labcorp
Classification: Uncertain significance for Joubert syndrome 23; Short-rib thoracic dysplasia 14 with polydactyly. Last evaluated: 2021-06-16. Review status: criteria provided, single submitter. Criteria: Invitae Variant Classification Sherloc (09022015). Collection method: clinical testing. Allele origin: germline.
Comment: Algorithms developed to predict the effect of missense changes on protein structure and function are either unavailable or do not agree on the potential impact of this missense change (SIFT: "Deleterious"; PolyPhen-2: "Probably Damaging"; Align-GVGD: "Class C0"). This sequence change replaces proline with threonine at codon 1204 of the KIAA0586 protein (p.Pro1204Thr). The proline residue is moderately conserved and there is a small physicochemical difference between proline and threonine. This variant is not present in population databases (ExAC no frequency). This variant has not been reported in the literature in individuals with KIAA0586-related conditions. In summary, the available evidence is currently insufficient to determine the role of this variant in disease. Therefore, it has been classified as a Variant of Uncertain Significance.

NM_001329943.3(KIAA0586):c.3451C>A (p.Pro1151Thr)

Gene: KIAA0586 (KIAA0586; plus strand). Cytogenetic location: 14q23.1.
Variant type: single nucleotide variant.
Coding change: c.3451C>A on transcript NM_001329943.3 (MANE Select); coding-DNA position 3451, C replaced by A.
Protein change: p.Pro1151Thr; replaces proline 1151 with threonine.
Molecular consequence: missense variant.
Genome position (GRCh38, 1-based): chr14:58,488,033, C>A. VCF-style: chr14-58488033-C-A. GRCh37 (hg19) VCF-style: chr14-58954751-C-A.
Other names: c.3610C>A, p.Pro1204Thr (NM_001244189.2); c.3406C>A, p.Pro1136Thr (NM_001244190.2); c.3196C>A, p.Pro1066Thr (NM_001244191.2, NM_001329945.2, NM_001364700.1 and 1 more transcripts); c.3319C>A, p.Pro1107Thr (NM_001244192.2); c.3031C>A, p.Pro1011Thr (NM_001244193.2); c.3451C>A, p.Pro1151Thr (NM_001329944.2, NM_001329946.2, NM_001329947.2); c.3223C>A, p.Pro1075Thr (NM_014749.5); short protein forms P1075T, P1136T, P1151T, P1066T, P1107T, P1204T, P1011T.
Identifiers: ClinVar variation 1513534 (VCV001513534.8), dbSNP rs2141194729, ClinGen allele CA389882048.